The following is an entry in ClinVar:

ClinVar aggregate classification (germline): Uncertain significance (1 of 4 stars; one submission).

Allele frequency attached by ClinVar (database versions not stated): ExAC 0.00001; gnomAD 0.00001; ESP Exome Variant Server 0.00008; TOPMed 0.00008.
gnomAD v4.1: 4 of 1,614,036 alleles (0.00025%); highest among the groups gnomAD compares: African/African-American, 0.0053%; no homozygotes.

Submission:

Labcorp Genetics (formerly Invitae), Labcorp
Classification: Uncertain significance. Last evaluated: 2024-04-26. Review status: criteria provided, single submitter. Criteria: Invitae Variant Classification Sherloc (09022015). Collection method: clinical testing. Allele origin: germline.
Comment: This sequence change replaces phenylalanine, which is neutral and non-polar, with leucine, which is neutral and non-polar, at codon 767 of the DSTYK protein (p.Phe767Leu). This variant is present in population databases (rs142354055, gnomAD 0.007%). This variant has not been reported in the literature in individuals affected with DSTYK-related conditions. An algorithm developed to predict the effect of missense changes on protein structure and function (PolyPhen-2) suggests that this variant is likely to be disruptive. In summary, the available evidence is currently insufficient to determine the role of this variant in disease. Therefore, it has been classified as a Variant of Uncertain Significance.

NM_015375.3(DSTYK):c.2301C>G (p.Phe767Leu)

Gene: DSTYK (dual serine/threonine and tyrosine protein kinase; minus strand). Cytogenetic location: 1q32.1.
Variant type: single nucleotide variant.
Coding change: c.2301C>G on transcript NM_015375.3 (MANE Select); coding-DNA position 2301, C replaced by G.
Protein change: p.Phe767Leu; replaces phenylalanine 767 with leucine.
Molecular consequence: missense variant.
Genome position (GRCh38, 1-based): chr1:205,157,324, G>C on the plus strand (C>G on the coding strand, the complement: DSTYK is on the minus strand). VCF-style: chr1-205157324-G-C. GRCh37 (hg19) VCF-style: chr1-205126452-G-C.
Other names: c.2301C>G, p.Phe767Leu (NM_199462.3); short protein forms F767L.
Identifiers: ClinVar variation 2971180 (VCV002971180.3), dbSNP rs142354055, ClinGen allele CA1352609.